The following is an entry in ClinVar:

NM_003114.5(SPAG1):c.311C>A (p.Ser104Ter)

Gene: SPAG1 (sperm associated antigen 1; plus strand). Cytogenetic location: 8q22.2.
Variant type: single nucleotide variant.
Coding change: c.311C>A on transcript NM_003114.5 (MANE Select); coding-DNA position 311, C replaced by A.
Protein change: p.Ser104Ter; replaces serine 104 with a stop codon.
Molecular consequence: nonsense.
Genome position (GRCh38, 1-based): chr8:100,177,826, C>A. VCF-style: chr8-100177826-C-A. GRCh37 (hg19) VCF-style: chr8-101190054-C-A.
Other names: c.311C>A, p.Ser104Ter (NM_001374321.1, NM_172218.3); short protein forms S104*.
Identifiers: ClinVar variation 474661 (VCV000474661.6), dbSNP rs1275662909, ClinGen allele CA371800300.

ClinVar aggregate classification (germline): Pathogenic (1 of 4 stars; one submission).

Conditions:
Primary ciliary dyskinesia 28. Also called: CILIARY DYSKINESIA, PRIMARY, 28, WITH OR WITHOUT SITUS INVERSUS. Identifiers: Orphanet 244, MedGen C3809706, MONDO:0014216, OMIM 615505.

Allele frequency attached by ClinVar (database versions not stated): gnomAD 0.00001; TOPMed 0.00001.

Submission:

Labcorp Genetics (formerly Invitae), Labcorp
Classification: Pathogenic for Primary ciliary dyskinesia 28. Last evaluated: 2017-04-16. Review status: criteria provided, single submitter. Criteria: Invitae Variant Classification Sherloc (09022015). Collection method: clinical testing. Allele origin: germline.
Comment: For these reasons, this variant has been classified as Pathogenic. While this particular variant has not been reported in the literature, loss-of-function variants in SPAG1 are known to be pathogenic (PMID: 24055112). This sequence change creates a premature translational stop signal at codon 104 (p.Ser104*) of the SPAG1 gene. It is expected to result in an absent or disrupted protein product.

Literature cited by the submitters: PubMed 24055112.